The following is an entry in ClinVar:

NM_001035.3(RYR2):c.2566T>C (p.Ser856Pro)

Gene: RYR2 (ryanodine receptor 2; plus strand). Cytogenetic location: 1q43.
Variant type: single nucleotide variant.
Coding change: c.2566T>C on transcript NM_001035.3 (MANE Select); coding-DNA position 2566, T replaced by C.
Protein change: p.Ser856Pro; replaces serine 856 with proline.
Molecular consequence: missense variant.
Genome position (GRCh38, 1-based): chr1:237,503,458, T>C. VCF-style: chr1-237503458-T-C. GRCh37 (hg19) VCF-style: chr1-237666758-T-C.
Other names: short protein forms S856P.
Identifiers: ClinVar variation 2719436 (VCV002719436.3), dbSNP rs755459247, ClinGen allele CA086072.

ClinVar aggregate classification (germline): Uncertain significance (1 of 4 stars; one submission).

Conditions:
Catecholaminergic polymorphic ventricular tachycardia 1. Also called: VENTRICULAR TACHYCARDIA, STRESS-INDUCED POLYMORPHIC 1; RYR2-Related Catecholaminergic Polymorphic Ventricular Tachycardia; VENTRICULAR TACHYCARDIA, CATECHOLAMINERGIC POLYMORPHIC, 1, WITH OR WITHOUT ATRIAL DYSFUNCTION AND/OR DILATED CARDIOMYOPATHY. Identifiers: Orphanet 3286, MedGen C1631597, MONDO:0011484, OMIM 604772.

Allele frequency attached by ClinVar (database versions not stated): ExAC 0.00002.
gnomAD v4.1: 3 of 1,613,918 alleles (0.00019%); highest among the groups gnomAD compares: Non-Finnish European, 0.00025%; no homozygotes.

Submission:

Labcorp Genetics (formerly Invitae), Labcorp
Classification: Uncertain significance for Catecholaminergic polymorphic ventricular tachycardia 1. Last evaluated: 2025-10-24. Review status: criteria provided, single submitter. Criteria: Invitae Variant Classification Sherloc (09022015). Collection method: clinical testing. Allele origin: germline.
Comment: This sequence change replaces serine, which is neutral and polar, with proline, which is neutral and non-polar, at codon 856 of the RYR2 protein (p.Ser856Pro). This variant is present in population databases (rs755459247, gnomAD 0.003%). This variant has not been reported in the literature in individuals affected with RYR2-related conditions. ClinVar contains an entry for this variant (Variation ID: 2719436). Invitae Evidence Modeling of protein sequence and biophysical properties (such as structural, functional, and spatial information, amino acid conservation, physicochemical variation, residue mobility, and thermodynamic stability) indicates that this missense variant is not expected to disrupt RYR2 protein function with a negative predictive value of 95%. In summary, the available evidence is currently insufficient to determine the role of this variant in disease. Therefore, it has been classified as a Variant of Uncertain Significance.